The following is an entry in ClinVar:

ClinVar aggregate classification (germline): Benign/Likely benign. Review status: criteria provided, multiple submitters, no conflicts (2 of 4 stars). 3 submissions from 3 submitters: Benign (1); Likely benign (2). Last evaluated 2024-03-18.

Conditions:
Hereditary cancer-predisposing syndrome. Also called: Neoplastic Syndromes, Hereditary; Tumor predisposition; Hereditary Cancer Syndrome; Hereditary neoplastic syndrome. Identifiers: Orphanet 140162, MedGen C0027672, MeSH D009386, MONDO:0015356.
Familial adenomatous polyposis 1 (FAP1). Also called: FAMILIAL ADENOMATOUS POLYPOSIS 1, ATTENUATED; POLYPOSIS, ADENOMATOUS INTESTINAL. Identifiers: MedGen C2713442, MONDO:0021056, OMIM 175100. Disease mechanism: loss of function.

Submissions (3):

Myriad Genetics, Inc.
Classification: Benign for Familial adenomatous polyposis 1. Last evaluated: 2024-03-18. Review status: criteria provided, single submitter. Criteria: Myriad Autosomal Dominant, Autosomal Recessive and X-Linked Classification Criteria (2023). Collection method: clinical testing. Allele origin: unknown.
Comment: This variant is considered benign. This variant is a silent/synonymous amino acid change and it is not expected to impact splicing.

Ambry Genetics
Classification: Likely benign for Hereditary cancer-predisposing syndrome. Last evaluated: 2021-09-11. Review status: criteria provided, single submitter. Criteria: Ambry Variant Classification Scheme 2023. Collection method: clinical testing. Allele origin: germline.

Color Diagnostics, LLC DBA Color Health
Classification: Likely benign for Hereditary cancer-predisposing syndrome. Last evaluated: 2019-04-09. Review status: criteria provided, single submitter. Criteria: ACMG Guidelines, 2015. Collection method: clinical testing. Allele origin: germline.

NM_000038.6(APC):c.3336A>T (p.Thr1112=)

Gene: APC (APC regulator of Wnt signaling pathway; plus strand). Cytogenetic location: 5q22.2.
Variant type: single nucleotide variant.
Coding change: c.3336A>T on transcript NM_000038.6 (MANE Select); coding-DNA position 3336, A replaced by T.
Protein change: p.Thr1112=; no amino-acid change (threonine 1112 retained).
Molecular consequence: synonymous variant.
Genome position (GRCh38, 1-based): chr5:112,838,930, A>T. VCF-style: chr5-112838930-A-T. GRCh37 (hg19) VCF-style: chr5-112174627-A-T.
Other names: c.3336A>T, p.Thr1112= (NM_001127510.3, NM_001354895.2); c.3282A>T, p.Thr1094= (NM_001127511.3); c.3390A>T, p.Thr1130= (NM_001354896.2); c.3366A>T, p.Thr1122= (NM_001354897.2); c.3261A>T, p.Thr1087= (NM_001354898.2); c.3252A>T, p.Thr1084= (NM_001354899.2); c.3213A>T, p.Thr1071= (NM_001354900.2); c.3159A>T, p.Thr1053= (NM_001354901.2); and 5 more.
Identifiers: ClinVar variation 919522 (VCV000919522.4), dbSNP rs1765397627, ClinGen allele CA445963636.